The following is an entry in ClinVar:

ClinVar aggregate classification (germline): Likely benign. Review status: criteria provided, multiple submitters, no conflicts (2 of 4 stars). 3 submissions from 3 submitters: Likely benign (2). 1 of the submissions does not count toward it. Last evaluated 2026-01-31.

Conditions:
CBL-related disorder. Also called: NOONAN SYNDROME-LIKE DISORDER WITHOUT JUVENILE MYELOMONOCYTIC LEUKEMIA; CBL MUTATION-ASSOCIATED SYNDROME; CBL SYNDROME. Identifiers: Orphanet 363972, MedGen C3150803, MONDO:0013308, OMIM 613563.
Cardiovascular phenotype. Identifiers: MedGen CN230736.
RASopathy. Also called: Noonan spectrum disorder; rasopathies. Identifiers: Orphanet 536391, MedGen C5555857, MONDO:0021060.

Allele frequency attached by ClinVar (database versions not stated): TOPMed 0.00001; gnomAD exomes 0.00003 and 0.00007; ExAC 0.00007.
gnomAD v4.1: 18 of 1,614,112 alleles (0.0011%); highest among the groups gnomAD compares: Admixed American, 0.03%; no homozygotes.

Submissions (3):

Labcorp Genetics (formerly Invitae), Labcorp
Classification: Likely benign for RASopathy. Last evaluated: 2026-01-31. Review status: criteria provided, single submitter. Criteria: Invitae Variant Classification Sherloc (09022015). Collection method: clinical testing. Allele origin: germline.

Ambry Genetics
Classification: Likely benign for Cardiovascular phenotype. Last evaluated: 2025-02-17. Review status: criteria provided, single submitter. Criteria: Ambry Variant Classification Scheme 2023. Collection method: clinical testing. Allele origin: germline.

PreventionGenetics, part of Exact Sciences
Classification: Likely benign for CBL-related condition. Last evaluated: 2021-11-04. Review status: no assertion criteria provided. Collection method: clinical testing. Allele origin: germline. Not counted in ClinVar's aggregate classification.
Comment: This variant is classified as likely benign based on ACMG/AMP sequence variant interpretation guidelines (Richards et al. 2015 PMID: 25741868, with internal and published modifications).

NM_005188.4(CBL):c.951A>G (p.Thr317=)

Gene: CBL (Cbl proto-oncogene; plus strand). Cytogenetic location: 11q23.3.
Variant type: single nucleotide variant.
Coding change: c.951A>G on transcript NM_005188.4 (MANE Select); coding-DNA position 951, A replaced by G.
Protein change: p.Thr317=; no amino-acid change (threonine 317 retained).
Molecular consequence: synonymous variant.
Genome position (GRCh38, 1-based): chr11:119,276,078, A>G. VCF-style: chr11-119276078-A-G. GRCh37 (hg19) VCF-style: chr11-119146788-A-G.
Other names: c.951A>G (NM_005188.3, NM_005188.2).
Identifiers: ClinVar variation 1535654 (VCV001535654.11), dbSNP rs34851541, ClinGen allele CA6318389.